The following is an entry in ClinVar:

ClinVar aggregate classification (germline): Pathogenic (1 of 4 stars; one submission).

Conditions:
TTN-related disorder. Also called: TTN-related condition; TTN-related disease; TTN-related disorders.

Submission:

Illumina Laboratory Services, Illumina
Classification: Pathogenic. Last evaluated: 2019-03-20. Review status: criteria provided, single submitter. Criteria: ICSLVariantClassificationCriteria RUGD 01 April 2020. Collection method: clinical testing. Allele origin: unknown.
Comment: The TTN c.99045_99046insCC (p.Thr33016ProfsTer46) variant results in a frameshift and is predicted to result in a premature truncation of the protein. A literature search was performed for the gene, cDNA change, and amino acid change. No publications were found based on this search. This variant is not found in the Genome Aggregation Database in a region of good sequencing coverage so the variant is presumed to be rare. This genomic position is predicted to be present in both cardiac and muscle isoforms. Based on the predicted truncating nature of the variant, its rarity, and identification in trans with a pathogenic variant, the c.99045_99046insCC (p.Thr33016ProfsTer46) variant is classified as pathogenic for autosomal recessive titinopathies.

NM_001267550.2(TTN):c.99045_99046insCC (p.Thr33016fs)

Genes: TTN (titin; minus strand), TTN-AS1 (TTN antisense RNA 1; plus strand). Cytogenetic location: 2q31.2.
Variant type: Insertion.
Coding change: c.99045_99046insCC on transcript NM_001267550.2 (MANE Select); coding-DNA positions 99045 to 99046, CC inserted.
Protein change: p.Thr33016fs; shifts the reading frame from threonine 33016.
Molecular consequence: frameshift variant. On other transcripts: non-coding transcript variant (1).
Genome position: GRCh38 VCF-style: chr2-178538783-T-TGG. GRCh37 (hg19) VCF-style: chr2-179403510-T-TGG.
Other names: c.94122_94123insCC, p.Thr31375fs (NM_001256850.1); c.71850_71851insCC, p.Thr23951fs (NM_003319.4); c.91341_91342insCC, p.Thr30448fs (NM_133378.4); c.72225_72226insCC, p.Thr24076fs (NM_133432.3); c.72426_72427insCC, p.Thr24143fs (NM_133437.4); short protein forms T23951fs, T24076fs, T24143fs, T30448fs, T31375fs, T33016fs.
Identifiers: ClinVar variation 3062091 (VCV003062091.1), dbSNP rs2468736602, ClinGen allele CA2740096328.